The following is an entry in ClinVar:

NM_025137.4(SPG11):c.7000-274G>T

Gene: SPG11 (SPG11 vesicle trafficking associated, spatacsin; minus strand). Cytogenetic location: 15q21.1.
Variant type: single nucleotide variant.
Coding change: c.7000-274G>T on transcript NM_025137.4 (MANE Select); 274 bases into the intron before coding-DNA position 7000, G replaced by T.
Molecular consequence: intron variant.
Genome position (GRCh38, 1-based): chr15:44,564,972, C>A on the plus strand (G>T on the coding strand, the complement: SPG11 is on the minus strand). VCF-style: chr15-44564972-C-A. GRCh37 (hg19) VCF-style: chr15-44857170-C-A.
Other names: c.6661-274G>T (NM_001160227.2).
Identifiers: ClinVar variation 672735 (VCV000672735.1), dbSNP rs78142819, ClinGen allele CA270057725.
Genomic context (GRCh38, chr15:44,564,972, plus strand): 5'-TTTTTTAAAAAAGACAGGGTCTCACTATGTTGCCCAGGCTGGACCAGAAATTCCTGGGCT[C>A]AAGATCCTCCCGCCTCAGCCTCCTGCATATCTGGGACTACAGGTATATGCCACCATGCCT-3'

ClinVar aggregate classification (germline): Likely benign (1 of 4 stars; one submission).

Allele frequency attached by ClinVar (database versions not stated): 1000 Genomes Project 30x 0.00234; 1000 Genomes Project 0.00240; TOPMed 0.00481; gnomAD 0.00669.
gnomAD v4.1: 813 of 152,122 alleles (0.53%); highest among the groups gnomAD compares: Non-Finnish European, 0.85%; 4 homozygotes.

Submission:

GeneDx
Classification: Likely benign. Last evaluated: 2018-06-14. Review status: criteria provided, single submitter. Criteria: GeneDx Variant Classification (06012015). Collection method: clinical testing. Allele origin: germline. Affected: yes.
Comment: This variant is considered likely benign or benign based on one or more of the following criteria: it is a conservative change, it occurs at a poorly conserved position in the protein, it is predicted to be benign by multiple in silico algorithms, and/or has population frequency not consistent with disease.